The following is an entry in ClinVar:

NM_001375524.1(TRRAP):c.5378A>G (p.Glu1793Gly)

Gene: TRRAP (transformation/transcription domain associated protein; plus strand). Cytogenetic location: 7q22.1.
Variant type: single nucleotide variant.
Coding change: c.5378A>G on transcript NM_001375524.1 (MANE Select); coding-DNA position 5378, A replaced by G.
Protein change: p.Glu1793Gly; replaces glutamic acid 1793 with glycine.
Molecular consequence: missense variant.
Genome position (GRCh38, 1-based): chr7:98,950,919, A>G. VCF-style: chr7-98950919-A-G. GRCh37 (hg19) VCF-style: chr7-98548542-A-G.
Other names: c.5357A>G, p.Glu1786Gly (NM_001244580.2); c.5303A>G, p.Glu1768Gly (NM_003496.4); short protein forms E1768G, E1786G, E1793G.
Identifiers: ClinVar variation 3375508 (VCV003375508.1).

ClinVar aggregate classification (germline): Uncertain significance (1 of 4 stars; one submission).

Submission:

GeneDx
Classification: Uncertain significance. Last evaluated: 2024-05-08. Review status: criteria provided, single submitter. Criteria: GeneDx Variant Classification Process June 2021. Collection method: clinical testing. Allele origin: germline. Affected: yes.
Comment: Not observed at significant frequency in large population cohorts (gnomAD); In silico analysis supports that this missense variant has a deleterious effect on protein structure/function; Has not been previously published as pathogenic or benign to our knowledge; In silico analysis is inconclusive as to whether the variant alters gene splicing. In the absence of RNA/functional studies, the actual effect of this sequence change is unknown.